The following is an entry in ClinVar:

NM_021008.4(DEAF1):c.506C>G (p.Pro169Arg)

Gene: DEAF1 (DEAF1 transcription factor; minus strand). Cytogenetic location: 11p15.5.
Variant type: single nucleotide variant.
Coding change: c.506C>G on transcript NM_021008.4 (MANE Select); coding-DNA position 506, C replaced by G.
Protein change: p.Pro169Arg; replaces proline 169 with arginine.
Molecular consequence: missense variant. On other transcripts: 5 prime UTR variant (1).
Genome position (GRCh38, 1-based): chr11:688,342, G>C on the plus strand (C>G on the coding strand, the complement: DEAF1 is on the minus strand). VCF-style: chr11-688342-G-C. GRCh37 (hg19) VCF-style: chr11-688342-G-C.
Other names: c.506C>G, p.Pro169Arg (NM_001293634.2); c.-221C>G (NM_001367390.1); short protein forms P169R.
Identifiers: ClinVar variation 1717309 (VCV001717309.5), dbSNP rs2494458052, ClinGen allele CA378934815.

ClinVar aggregate classification (germline): Uncertain significance (1 of 4 stars; one submission).

Submission:

Labcorp Genetics (formerly Invitae), Labcorp
Classification: Uncertain significance. Last evaluated: 2022-08-21. Review status: criteria provided, single submitter. Criteria: Invitae Variant Classification Sherloc (09022015). Collection method: clinical testing. Allele origin: germline.
Comment: Advanced modeling of protein sequence and biophysical properties (such as structural, functional, and spatial information, amino acid conservation, physicochemical variation, residue mobility, and thermodynamic stability) performed at Invitae indicates that this missense variant is expected to disrupt DEAF1 protein function. This variant has not been reported in the literature in individuals affected with DEAF1-related conditions. This variant is not present in population databases (gnomAD no frequency). This sequence change replaces proline, which is neutral and non-polar, with arginine, which is basic and polar, at codon 169 of the DEAF1 protein (p.Pro169Arg). In summary, the available evidence is currently insufficient to determine the role of this variant in disease. Therefore, it has been classified as a Variant of Uncertain Significance.